The following is an entry in ClinVar:

ClinVar aggregate classification (germline): Uncertain significance (1 of 4 stars; one submission).

gnomAD v4.1: 1 of 1,612,476 alleles (0.000062%); highest among the groups gnomAD compares: Non-Finnish European, 0.000085%; no homozygotes.

Submission:

GeneDx
Classification: Uncertain significance. Last evaluated: 2024-08-26. Review status: criteria provided, single submitter. Criteria: GeneDx Variant Classification Process June 2021. Collection method: clinical testing. Allele origin: germline. Affected: yes.
Comment: Not observed at significant frequency in large population cohorts (gnomAD); In silico analysis indicates that this missense variant does not alter protein structure/function; Has not been previously published as pathogenic or benign to our knowledge

NM_001386298.1(CIC):c.4708G>C (p.Ala1570Pro)

Gene: CIC (capicua transcriptional repressor; plus strand). Cytogenetic location: 19q13.2.
Variant type: single nucleotide variant.
Coding change: c.4708G>C on transcript NM_001386298.1 (MANE Select); coding-DNA position 4708, G replaced by C.
Protein change: p.Ala1570Pro; replaces alanine 1570 with proline.
Molecular consequence: missense variant.
Genome position (GRCh38, 1-based): chr19:42,290,749, G>C. VCF-style: chr19-42290749-G-C. GRCh37 (hg19) VCF-style: chr19-42794901-G-C.
Other names: c.4708G>C, p.Ala1570Pro (NM_001304815.2, NM_001379480.1, NM_001379482.1); c.1981G>C, p.Ala661Pro (NM_001379484.1, NM_001379485.1, NM_015125.5); short protein forms A1570P, A661P.
Identifiers: ClinVar variation 3766382 (VCV003766382.1).